The following is an entry in ClinVar:

NM_030943.4(AMN):c.742C>T (p.Gln248Ter)

Gene: AMN (amnion associated transmembrane protein; plus strand). Cytogenetic location: 14q32.32.
Variant type: single nucleotide variant.
Coding change: c.742C>T on transcript NM_030943.4 (MANE Select); coding-DNA position 742, C replaced by T.
Protein change: p.Gln248Ter; replaces glutamine 248 with a stop codon.
Molecular consequence: nonsense.
Genome position (GRCh38, 1-based): chr14:102,929,518, C>T. VCF-style: chr14-102929518-C-T. GRCh37 (hg19) VCF-style: chr14-103395855-C-T.
Other names: short protein forms Q248*.
Identifiers: ClinVar variation 56759 (VCV000056759.8), dbSNP rs386834177, ClinGen allele CA144423.

ClinVar aggregate classification (germline): Pathogenic. Review status: criteria provided, single submitter (1 of 4 stars). 4 submissions from 4 submitters: Pathogenic (1). 3 of the submissions do not count toward it. Last evaluated 2023-05-01.

Conditions:
Imerslund-Grasbeck syndrome. Also called: ENTEROCYTE COBALAMIN MALABSORPTION; ENTEROCYTE INTRINSIC FACTOR RECEPTOR, DEFECT OF; PERNICIOUS ANEMIA, JUVENILE, DUE TO SELECTIVE INTESTINAL MALABSORPTION OF VITAMIN B12, WITH PROTEINURIA; Megaloblastic anemia due to inborn errors of metabolism; Imerslund-Gräsbeck syndrome. Identifiers: Orphanet 35858, MedGen C4551825, MONDO:0009853.
Imerslund-Grasbeck syndrome type 1 (IGS1). Also called: MEGALOBLASTIC ANEMIA, 1; Imerslund-Gräsbeck syndrome 1; Megaloblastic anemia 1, Finnish type. Identifiers: MedGen C4016819, MONDO:0100156, OMIM 261100.

Allele frequency attached by ClinVar (database versions not stated): gnomAD exomes below 0.00001.
gnomAD v4.1: 1 of 1,536,146 alleles (0.000065%); highest among the groups gnomAD compares: Non-Finnish European, 0.000087%; no homozygotes.

Submissions (4):

Labcorp Genetics (formerly Invitae), Labcorp
Classification: Pathogenic for Imerslund-Grasbeck syndrome. Last evaluated: 2023-05-01. Review status: criteria provided, single submitter. Criteria: Invitae Variant Classification Sherloc (09022015). Collection method: clinical testing. Allele origin: germline.
Comment: For these reasons, this variant has been classified as Pathogenic. ClinVar contains an entry for this variant (Variation ID: 56759). This premature translational stop signal has been observed in individual(s) with clinical features of Imerslund-Gräsbeck Syndrome (PMID: 21750092). This variant is not present in population databases (gnomAD no frequency). This sequence change creates a premature translational stop signal (p.Gln248*) in the AMN gene. It is expected to result in an absent or disrupted protein product. Loss-of-function variants in AMN are known to be pathogenic (PMID: 12590260, 22929189).

Bioscientia Institut fuer Medizinische Diagnostik GmbH, Sonic Healthcare
Classification: Pathogenic for Imerslund-Grasbeck syndrome type 1. Last evaluated: 2020-01-21. Review status: no assertion criteria provided. Collection method: clinical testing. Allele origin: germline. Affected: yes. Not counted in ClinVar's aggregate classification.

Inserm U 954, Faculté de Médecine de Nancy
No classification provided. Condition: Megaloblastic anemia due to inborn errors of metabolism. Review status: no classification provided. Collection method: not provided. Allele origin: unknown. Not counted in ClinVar's aggregate classification.
Comment: Namour F, Dobrovoljski G, Chery C, Audonnet S, Feillet F, Sperl W, Gueant JL. Luminal expression of cubilin is impaired in Imerslund-Grasbeck syndrome with compound AMN mutations in intron 3 and exon 7. Haematologica. 2011 Nov;96(11):1715-9. doi: 10.3324/haematol.2011.043984.

Juha Muilu Group; Institute for Molecular Medicine Finland (FIMM)
Classification: Likely pathogenic for Megaloblastic anemia due to inborn errors of metabolism. Review status: no assertion criteria provided. Collection method: not provided. Allele origin: unknown. Not counted in ClinVar's aggregate classification.
Comment: FinDis database variant: This variant was not found or characterized by our laboratory, data were collected from public sources: see reference
ClinVar note: Converted during submission from probable-pathogenic to Likely pathogenic.

Literature cited by the submitters: PubMed 21750092 (cited by Labcorp Genetics (formerly Invitae), Labcorp); PubMed 12590260 (cited by Labcorp Genetics (formerly Invitae), Labcorp); PubMed 22929189 (cited by Labcorp Genetics (formerly Invitae), Labcorp).